The following is an entry in ClinVar:

ClinVar aggregate classification (germline): Uncertain significance (1 of 4 stars; one submission).

Conditions:
Myofibrillar myopathy 5. Also called: Filaminopathy (type); FILAMINOPATHY, AUTOSOMAL DOMINANT. Identifiers: Orphanet 171445, MedGen C1836050, MONDO:0012289, OMIM 609524.
Hypertrophic cardiomyopathy 26. Also called: Cardiomyopathy, familial hypertrophic, 26. Identifiers: Orphanet 75249, MedGen C4310749, MONDO:0014883, OMIM 617047.
Distal myopathy with posterior leg and anterior hand involvement. Also called: WILLIAMS DISTAL MYOPATHY. Identifiers: Orphanet 63273, MedGen C3279722, MONDO:0013550, OMIM 614065.
Dilated Cardiomyopathy, Dominant.

Submission:

Labcorp Genetics (formerly Invitae), Labcorp
Classification: Uncertain significance for Myopathy, distal, 4; Dilated Cardiomyopathy, Dominant; Myofibrillar myopathy, filamin C-related; Cardiomyopathy, familial hypertrophic, 26. Last evaluated: 2019-07-29. Review status: criteria provided, single submitter. Criteria: Invitae Variant Classification Sherloc (09022015). Collection method: clinical testing. Allele origin: germline.
Comment: This variant results in a copy number gain of the genomic region encompassing the full coding sequence of the FLNC gene. The boundaries of this event are unknown as they extend beyond the assayed region for this gene and therefore may encompass additional genes. As the precise location of this event is unknown, it may be in tandem or it may be located elsewhere in the genome. This variant has not been reported in the literature in individuals with FLNC-related conditions. In summary, the available evidence is currently insufficient to determine the role of this variant in disease. Therefore, it has been classified as a Variant of Uncertain Significance.

NC_000007.14:g.(?_128830628)_(128858533_?)dup

Gene: FLNC (filamin C; plus strand). Cytogenetic location: 7q32.1.
Variant type: Duplication.
Identifiers: ClinVar variation 830593 (VCV000830593.2).